The following is an entry in ClinVar:

ClinVar aggregate classification (germline): Conflicting classifications of pathogenicity. Review status: criteria provided, conflicting classifications (1 of 4 stars). 2 submissions from 2 submitters: Uncertain significance (1); Likely benign (1). Last evaluated 2025-06-15.

Allele frequency attached by ClinVar (database versions not stated): TOPMed 0.00004; ESP Exome Variant Server 0.00008; gnomAD 0.00020; ExAC 0.00022; 1000 Genomes Project 30x 0.00031; 1000 Genomes Project 0.00040.
gnomAD v4.1: 229 of 1,613,562 alleles (0.014%); highest among the groups gnomAD compares: Non-Finnish European, 0.0044%; 1 homozygote.

Submissions (2):

Labcorp Genetics (formerly Invitae), Labcorp
Classification: Likely benign. Last evaluated: 2025-06-15. Review status: criteria provided, single submitter. Criteria: Invitae Variant Classification Sherloc (09022015). Collection method: clinical testing. Allele origin: germline.

GeneDx
Classification: Uncertain significance. Last evaluated: 2025-04-21. Review status: criteria provided, single submitter. Criteria: GeneDx Variant Classification Process June 2021. Collection method: clinical testing. Allele origin: germline. Affected: yes.
Comment: In silico analysis indicates that this missense variant does not alter protein structure/function; Has not been previously published as pathogenic or benign to our knowledge

NM_020381.4(PDSS2):c.323G>A (p.Ser108Asn)

Gene: PDSS2 (decaprenyl diphosphate synthase subunit 2; minus strand). Cytogenetic location: 6q21.
Variant type: single nucleotide variant.
Coding change: c.323G>A on transcript NM_020381.4 (MANE Select); coding-DNA position 323, G replaced by A.
Protein change: p.Ser108Asn; replaces serine 108 with asparagine.
Molecular consequence: missense variant.
Genome position (GRCh38, 1-based): chr6:107,334,306, C>T on the plus strand (G>A on the coding strand, the complement: PDSS2 is on the minus strand). VCF-style: chr6-107334306-C-T. GRCh37 (hg19) VCF-style: chr6-107655510-C-T.
Other names: c.323G>A (NM_020381.3); short protein forms S108N.
Identifiers: ClinVar variation 2178615 (VCV002178615.5), dbSNP rs144461244, ClinGen allele CA3946146.